The following is an entry in ClinVar:

ClinVar aggregate classification (germline): Benign/Likely benign. Review status: criteria provided, multiple submitters, no conflicts (2 of 4 stars). 3 submissions from 3 submitters: Benign (1); Likely benign (2). Last evaluated 2025-08-12.

Conditions:
FAM111A-related disorder. Also called: FAM111A-related condition.
Inborn genetic diseases. Identifiers: MedGen C0950123, MeSH D030342.

Allele frequency attached by ClinVar (database versions not stated): ESP Exome Variant Server 0.00008; gnomAD 0.00011.
gnomAD v4.1: 301 of 1,614,002 alleles (0.019%); highest among the groups gnomAD compares: Non-Finnish European, 0.023%; no homozygotes.

Submissions (3):

Labcorp Genetics (formerly Invitae), Labcorp
Classification: Benign. Last evaluated: 2025-08-12. Review status: criteria provided, single submitter. Criteria: Invitae Variant Classification Sherloc (09022015). Collection method: clinical testing. Allele origin: germline.

PreventionGenetics, part of Exact Sciences
Classification: Likely benign for FAM111A-related condition. Last evaluated: 2025-05-22. Review status: criteria provided, single submitter. Criteria: ACMG Guidelines, 2015. Collection method: clinical testing. Allele origin: germline.
Comment: This variant is classified as likely benign based on ACMG/AMP sequence variant interpretation guidelines (Richards et al. 2015 PMID: 25741868, with internal and published modifications).

Ambry Genetics
Classification: Likely benign for Inborn genetic diseases. Last evaluated: 2021-12-02. Review status: criteria provided, single submitter. Criteria: Ambry Variant Classification Scheme 2023. Collection method: clinical testing. Allele origin: germline.

NM_001312909.2(FAM111A):c.1180G>A (p.Gly394Arg)

Gene: FAM111A (FAM111 trypsin like peptidase A; plus strand). Cytogenetic location: 11q12.1.
Variant type: single nucleotide variant.
Coding change: c.1180G>A on transcript NM_001312909.2 (MANE Select); coding-DNA position 1180, G replaced by A.
Protein change: p.Gly394Arg; replaces glycine 394 with arginine.
Molecular consequence: missense variant.
Genome position (GRCh38, 1-based): chr11:59,152,848, G>A. VCF-style: chr11-59152848-G-A. GRCh37 (hg19) VCF-style: chr11-58920321-G-A.
Other names: c.1180G>A, p.Gly394Arg (NM_001142519.3, NM_001142520.3, NM_001142521.3 and 29 more transcripts); c.1180G>A (NM_001142520.1, NM_022074.3); short protein forms G394R.
Identifiers: ClinVar variation 2160255 (VCV002160255.6), dbSNP rs144962024, ClinGen allele CA6016723.